The following is an entry in ClinVar:

NM_020297.4(ABCC9):c.2339+4del

Gene: ABCC9 (ATP binding cassette subfamily C member 9; minus strand). Cytogenetic location: 12p12.1.
Variant type: Deletion.
Coding change: c.2339+4del on transcript NM_020297.4 (MANE Select); 4 bases into the intron after coding-DNA position 2339, one base deleted (A; older notation c.2339+4delA).
Molecular consequence: intron variant.
Genome position (GRCh38, 1-based): chr12:21,862,949, T deleted on the plus strand (A on the coding strand, the reverse complement: ABCC9 is on the minus strand); the first of 2 consecutive T bases (chr12:21,862,949-21,862,950); deleting either gives the same sequence. VCF-style (leftmost placement, unchanged base first): chr12-21862948-AT-A. GRCh37 (hg19) VCF-style: chr12-22015882-AT-A.
Other names: c.1472+4del (NM_001377274.1); c.2339+4del (NM_005691.4, NM_001377273.1).
Identifiers: ClinVar variation 4732889 (VCV004732889.1).

ClinVar aggregate classification (germline): Uncertain significance (1 of 4 stars; one submission).

Conditions:
Dilated cardiomyopathy 1O (CMD1O). Also called: CARDIOMYOPATHY, DILATED, WITH VENTRICULAR TACHYCARDIA. Identifiers: Orphanet 154, MedGen C1837839, MONDO:0012062, OMIM 608569.

Submission:

Labcorp Genetics (formerly Invitae), Labcorp
Classification: Uncertain significance for Dilated cardiomyopathy 1O. Last evaluated: 2025-12-16. Review status: criteria provided, single submitter. Criteria: Invitae Variant Classification Sherloc (09022015). Collection method: clinical testing. Allele origin: germline.
Comment: This sequence change falls in intron 18 of the ABCC9 gene. It does not directly change the encoded amino acid sequence of the ABCC9 protein. It affects a nucleotide within the consensus splice site. This variant is not present in population databases (gnomAD no frequency). This variant has not been reported in the literature in individuals affected with ABCC9-related conditions. Variants that disrupt the consensus splice site are a relatively common cause of aberrant splicing (PMID: 17576681, 9536098). Algorithms developed to predict the effect of sequence changes on RNA splicing suggest that this variant may disrupt the consensus splice site. In summary, the available evidence is currently insufficient to determine the role of this variant in disease. Therefore, it has been classified as a Variant of Uncertain Significance.

Literature cited by the submitters: PubMed 17576681; PubMed 9536098.